The following is an entry in ClinVar:

ClinVar aggregate classification (germline): Uncertain significance (1 of 4 stars; one submission).

Conditions:
EGFR-related lung cancer (EGFR). Identifiers: MedGen CN130014.

Submission:

Labcorp Genetics (formerly Invitae), Labcorp
Classification: Uncertain significance for EGFR-related lung cancer. Last evaluated: 2021-06-16. Review status: criteria provided, single submitter. Criteria: Invitae Variant Classification Sherloc (09022015). Collection method: clinical testing. Allele origin: germline.
Comment: Algorithms developed to predict the effect of missense changes on protein structure and function are either unavailable or do not agree on the potential impact of this missense change (SIFT: "Tolerated"; PolyPhen-2: "Probably Damaging"; Align-GVGD: "Class C0"). In summary, the available evidence is currently insufficient to determine the role of this variant in disease. Therefore, it has been classified as a Variant of Uncertain Significance. This variant has not been reported in the literature in individuals with EGFR-related conditions. This variant is not present in population databases (ExAC no frequency). This sequence change replaces phenylalanine with leucine at codon 1086 of the EGFR protein (p.Phe1086Leu). The phenylalanine residue is moderately conserved and there is a small physicochemical difference between phenylalanine and leucine.

NM_005228.5(EGFR):c.3258C>G (p.Phe1086Leu)

Gene: EGFR (epidermal growth factor receptor; plus strand). Cytogenetic location: 7p11.2.
Variant type: single nucleotide variant.
Coding change: c.3258C>G on transcript NM_005228.5 (MANE Select); coding-DNA position 3258, C replaced by G.
Protein change: p.Phe1086Leu; replaces phenylalanine 1086 with leucine.
Molecular consequence: missense variant.
Genome position (GRCh38, 1-based): chr7:55,202,612, C>G. VCF-style: chr7-55202612-C-G. GRCh37 (hg19) VCF-style: chr7-55270305-C-G.
Other names: c.3123C>G, p.Phe1041Leu (NM_001346897.2, NM_001346899.2); c.3258C>G, p.Phe1086Leu (NM_001346898.2); c.3099C>G, p.Phe1033Leu (NM_001346900.2); c.2457C>G, p.Phe819Leu (NM_001346941.2); short protein forms F1033L, F1086L, F819L, F1041L.
Identifiers: ClinVar variation 1361733 (VCV001361733.8), dbSNP rs2128973167, ClinGen allele CA367583543.
Genomic context (GRCh38, chr7:55,202,612, plus strand): 5'-GCAGCGATACAGCTCAGACCCCACAGGCGCCTTGACTGAGGACAGCATAGACGACACCTT[C>G]CTCCCAGTGCCTGGTGAGTGGCTTGTCTGGAAACAGTCCTGCTCCTCAACCTCCTCGACC-3'
Protein context (NP_005219.2, residues 1076-1096): ALTEDSIDDT[Phe1086Leu]LPVPEYINQS